The following is an entry in ClinVar:

ClinVar aggregate classification (germline): Uncertain significance (1 of 4 stars; one submission).

Submission:

GeneDx
Classification: Uncertain significance. Last evaluated: 2025-04-24. Review status: criteria provided, single submitter. Criteria: GeneDx Variant Classification Process June 2021. Collection method: clinical testing. Allele origin: germline.
Comment: Not observed at significant frequency in large population cohorts (gnomAD); In silico analysis supports that this missense variant has a deleterious effect on protein structure/function; Has not been previously published as pathogenic or benign to our knowledge

NM_031407.7(HUWE1):c.12107G>A (p.Arg4036His)

Gene: HUWE1 (HECT, UBA and WWE domain containing E3 ubiquitin protein ligase 1; minus strand). Cytogenetic location: Xp11.22.
Variant type: single nucleotide variant.
Coding change: c.12107G>A on transcript NM_031407.7 (MANE Select); coding-DNA position 12107, G replaced by A.
Protein change: p.Arg4036His; replaces arginine 4036 with histidine.
Molecular consequence: missense variant.
Genome position (GRCh38, 1-based): chrX:53,537,586, C>T on the plus strand (G>A on the coding strand, the complement: HUWE1 is on the minus strand). VCF-style: chrX-53537586-C-T. GRCh37 (hg19) VCF-style: chrX-53564547-C-T.
Other names: short protein forms R4036H.
Identifiers: ClinVar variation 3390487 (VCV003390487.2).